The following is an entry in ClinVar:

NM_152795.4(HIF3A):c.1531G>A (p.Ala511Thr)

Gene: HIF3A (hypoxia inducible factor 3 subunit alpha; plus strand). Cytogenetic location: 19q13.32.
Variant type: single nucleotide variant.
Coding change: c.1531G>A on transcript NM_152795.4 (MANE Select); coding-DNA position 1531, G replaced by A.
Protein change: p.Ala511Thr; replaces alanine 511 with threonine.
Molecular consequence: missense variant. On other transcripts: intron variant (1).
Genome position (GRCh38, 1-based): chr19:46,329,297, G>A. VCF-style: chr19-46329297-G-A. GRCh37 (hg19) VCF-style: chr19-46832554-G-A.
Other names: p.Ala511Thr; c.1324G>A, p.Ala442Thr (NM_022462.4); c.1525G>A, p.Ala509Thr (NM_152794.4); c.1233+3658G>A (NM_152796.2); short protein forms A442T, A511T, A509T.
Identifiers: ClinVar variation 3525518 (VCV003525518.2).

ClinVar aggregate classification (germline): Conflicting classifications of pathogenicity. Review status: criteria provided, conflicting classifications (1 of 4 stars). 2 submissions from 2 submitters: Uncertain significance (1); Likely benign (1). Last evaluated 2025-09-30.

gnomAD v4.1: 2,310 of 1,613,264 alleles (0.14%); highest among the groups gnomAD compares: Non-Finnish European, 0.18%; 4 homozygotes.

Submissions (2):

Mayo Clinic Laboratories, Mayo Clinic
Classification: Likely benign. Last evaluated: 2025-09-30. Review status: criteria provided, single submitter. Criteria: ACMG Guidelines, 2015. Collection method: clinical testing. Allele origin: germline. Observed: 1 variant allele.
Comment: BS2, BP4

Ambry Genetics
Classification: Uncertain significance. Last evaluated: 2024-11-21. Review status: criteria provided, single submitter. Criteria: Ambry Variant Classification Scheme 2023. Collection method: clinical testing. Allele origin: germline.